The following is an entry in ClinVar:

NM_000228.3(LAMB3):c.3411C>T (p.Ser1137=)

Gene: LAMB3 (laminin subunit beta 3; minus strand). Cytogenetic location: 1q32.2.
Variant type: single nucleotide variant.
Coding change: c.3411C>T on transcript NM_000228.3 (MANE Select); coding-DNA position 3411, C replaced by T.
Protein change: p.Ser1137=; no amino-acid change (serine 1137 retained).
Molecular consequence: synonymous variant.
Genome position (GRCh38, 1-based): chr1:209,615,379, G>A on the plus strand (C>T on the coding strand, the complement: LAMB3 is on the minus strand). VCF-style: chr1-209615379-G-A. GRCh37 (hg19) VCF-style: chr1-209788724-G-A.
Other names: c.3411C>T (NM_000228.2); c.3411C>T, p.Ser1137= (NM_001017402.2, NM_001127641.1).
Identifiers: ClinVar variation 1078823 (VCV001078823.11), dbSNP rs771886651, ClinGen allele CA1374866.

ClinVar aggregate classification (germline): Likely benign. Review status: criteria provided, single submitter (1 of 4 stars). 2 submissions from 2 submitters: Likely benign (1). 1 of the submissions does not count toward it. Last evaluated 2025-12-07.

Conditions:
LAMB3-related disorder. Also called: LAMB3-related condition.

Allele frequency attached by ClinVar (database versions not stated): TOPMed 0.00001; gnomAD 0.00002 and 0.00003; gnomAD exomes 0.00004; ExAC 0.00005.
gnomAD v4.1: 40 of 1,609,544 alleles (0.0025%); highest among the groups gnomAD compares: South Asian, 0.029%; no homozygotes.

Submissions (2):

Labcorp Genetics (formerly Invitae), Labcorp
Classification: Likely benign. Last evaluated: 2025-12-07. Review status: criteria provided, single submitter. Criteria: Invitae Variant Classification Sherloc (09022015). Collection method: clinical testing. Allele origin: germline.

PreventionGenetics, part of Exact Sciences
Classification: Likely benign for LAMB3-related condition. Last evaluated: 2019-04-05. Review status: no assertion criteria provided. Collection method: clinical testing. Allele origin: germline. Not counted in ClinVar's aggregate classification.
Comment: This variant is classified as likely benign based on ACMG/AMP sequence variant interpretation guidelines (Richards et al. 2015 PMID: 25741868, with internal and published modifications).